The following is an entry in ClinVar:

NM_023068.4(SIGLEC1):c.4455C>T (p.Asp1485=)

Gene: SIGLEC1 (sialic acid binding Ig like lectin 1; minus strand). Cytogenetic location: 20p13.
Variant type: single nucleotide variant.
Coding change: c.4455C>T on transcript NM_023068.4 (MANE Select); coding-DNA position 4455, C replaced by T.
Protein change: p.Asp1485=; no amino-acid change (aspartic acid 1485 retained).
Molecular consequence: synonymous variant.
Genome position (GRCh38, 1-based): chr20:3,691,476, G>A on the plus strand (C>T on the coding strand, the complement: SIGLEC1 is on the minus strand). VCF-style: chr20-3691476-G-A. GRCh37 (hg19) VCF-style: chr20-3672123-G-A.
Other names: c.4455C>T, p.Asp1485= (NM_001367089.1).
Identifiers: ClinVar variation 2652178 (VCV002652178.24), dbSNP rs35702208, ClinGen allele CA9746151.

ClinVar aggregate classification (germline): Likely benign (1 of 4 stars; one submission).

Allele frequency attached by ClinVar (database versions not stated): 1000 Genomes Project 0.00180; 1000 Genomes Project 30x 0.00187; TOPMed 0.00267; gnomAD 0.00270; ESP Exome Variant Server 0.00277; ExAC 0.00309; gnomAD exomes 0.00338.

Submission:

CeGaT Center for Human Genetics Tuebingen
Classification: Likely benign. Last evaluated: 2023-03-01. Review status: criteria provided, single submitter. Criteria: CeGaT Center For Human Genetics Tuebingen Variant Classification Criteria Version 2. Collection method: clinical testing. Allele origin: germline. Affected: yes. Observed: 3 variant alleles.
Comment: SIGLEC1: BP4, BP7, BS2